The following is an entry in ClinVar:

NM_024426.6(WT1):c.342G>T (p.Ala114=)

Genes: WT1 (WT1 transcription factor; minus strand), LOC107982234 (WT1/WT1-AS bi-directional promoter region; plus strand). Cytogenetic location: 11p13.
Variant type: single nucleotide variant.
Coding change: c.342G>T on transcript NM_024426.6 (MANE Select); coding-DNA position 342, G replaced by T.
Protein change: p.Ala114=; no amino-acid change (alanine 114 retained).
Molecular consequence: synonymous variant. On other transcripts: non-coding transcript variant (1).
Genome position (GRCh38, 1-based): chr11:32,435,019, C>A on the plus strand (G>T on the coding strand, the complement: WT1 is on the minus strand). VCF-style: chr11-32435019-C-A. GRCh37 (hg19) VCF-style: chr11-32456565-C-A.
Other names: c.327G>T (NM_024426.4); c.342G>T, p.Ala114= (NM_000378.6, NM_024424.5).
Identifiers: ClinVar variation 1543801 (VCV001543801.17), dbSNP rs1414764839, ClinGen allele CA473773813.

ClinVar aggregate classification (germline): Likely benign. Review status: criteria provided, multiple submitters, no conflicts (2 of 4 stars). 3 submissions from 3 submitters: Likely benign (3). Last evaluated 2025-08-31.

Conditions:
Frasier syndrome. Identifiers: Orphanet 347, MedGen C0950122, MeSH D052159, MONDO:0007635, OMIM 136680.
Drash syndrome (DDS). Also called: NEPHROPATHY, WILMS TUMOR, AND GENITAL ANOMALIES; WILMS TUMOR AND PSEUDO- OR TRUE HERMAPHRODITISM. Identifiers: Orphanet 220, MedGen C0950121, MONDO:0008682, OMIM 194080.
Wilms tumor 1 (WT1). Also called: Wilms tumor, somatic. Identifiers: Orphanet 654, MedGen CN033288, MONDO:0008679, OMIM 194070.
11p partial monosomy syndrome (WAGR). Also called: WAGR Spectrum Disorder; WAGR Complex; CHROMOSOME 11p13 DELETION SYNDROME; WAGR syndrome. Identifiers: Orphanet 893, MedGen C0206115, MONDO:0008681, OMIM 194072.
Inborn genetic diseases. Identifiers: MedGen C0950123, MeSH D030342.

Allele frequency attached by ClinVar (database versions not stated): gnomAD exomes below 0.00001.
gnomAD v4.1: 2 of 1,484,658 alleles (0.00013%); highest among the groups gnomAD compares: Admixed American, 0.0024%; no homozygotes.

Submissions (3):

Labcorp Genetics (formerly Invitae), Labcorp
Classification: Likely benign for Wilms tumor 1; Drash syndrome; 11p partial monosomy syndrome; Frasier syndrome. Last evaluated: 2025-08-31. Review status: criteria provided, single submitter. Criteria: Invitae Variant Classification Sherloc (09022015). Collection method: clinical testing. Allele origin: germline.

CeGaT Center for Human Genetics Tuebingen
Classification: Likely benign. Last evaluated: 2025-08-01. Review status: criteria provided, single submitter. Criteria: CeGaT Center For Human Genetics Tuebingen Variant Classification Criteria Version 2. Collection method: clinical testing. Allele origin: germline. Affected: yes. Observed: 1 variant allele.
Comment: WT1: BP4, BP7

Ambry Genetics
Classification: Likely benign for Inborn genetic diseases. Last evaluated: 2025-03-15. Review status: criteria provided, single submitter. Criteria: Ambry Variant Classification Scheme 2023. Collection method: clinical testing. Allele origin: germline.